The following is an entry in ClinVar:

ClinVar aggregate classification (germline): Benign/Likely benign. Review status: criteria provided, multiple submitters, no conflicts (2 of 4 stars). 3 submissions from 3 submitters: Benign (1); Likely benign (2). Last evaluated 2025-07-14.

Conditions:
Familial adenomatous polyposis 1 (FAP1). Also called: POLYPOSIS, ADENOMATOUS INTESTINAL; FAMILIAL ADENOMATOUS POLYPOSIS 1, ATTENUATED. Identifiers: MedGen C2713442, MONDO:0021056, OMIM 175100. Disease mechanism: loss of function.
Hereditary cancer-predisposing syndrome. Also called: Neoplastic Syndromes, Hereditary; Tumor predisposition; Hereditary neoplastic syndrome; Hereditary Cancer Syndrome. Identifiers: Orphanet 140162, MedGen C0027672, MeSH D009386, MONDO:0015356.

Allele frequency attached by ClinVar (database versions not stated): gnomAD exomes below 0.00001.
gnomAD v4.1: 2 of 1,593,616 alleles (0.00013%); highest among the groups gnomAD compares: Non-Finnish European, 0.000086%; no homozygotes.

Submissions (3):

Ambry Genetics
Classification: Likely benign for Hereditary cancer-predisposing syndrome. Last evaluated: 2025-07-14. Review status: criteria provided, single submitter. Criteria: Ambry Variant Classification Scheme 2023. Collection method: clinical testing. Allele origin: germline.

Labcorp Genetics (formerly Invitae), Labcorp
Classification: Likely benign for Familial adenomatous polyposis 1. Last evaluated: 2024-07-30. Review status: criteria provided, single submitter. Criteria: Invitae Variant Classification Sherloc (09022015). Collection method: clinical testing. Allele origin: germline.

Myriad Genetics, Inc.
Classification: Benign for Familial adenomatous polyposis 1. Last evaluated: 2024-02-23. Review status: criteria provided, single submitter. Criteria: Myriad Autosomal Dominant, Autosomal Recessive and X-Linked Classification Criteria (2023). Collection method: clinical testing. Allele origin: unknown.
Comment: This variant is considered benign. This variant is a silent/synonymous amino acid change and it is not expected to impact splicing.

NM_000038.6(APC):c.426A>G (p.Ser142=)

Gene: APC (APC regulator of Wnt signaling pathway; plus strand). Cytogenetic location: 5q22.2.
Variant type: single nucleotide variant.
Coding change: c.426A>G on transcript NM_000038.6 (MANE Select); coding-DNA position 426, A replaced by G.
Protein change: p.Ser142=; no amino-acid change (serine 142 retained).
Molecular consequence: synonymous variant. On other transcripts: 5 prime UTR variant (4), non-coding transcript variant (2).
Genome position (GRCh38, 1-based): chr5:112,775,632, A>G. VCF-style: chr5-112775632-A-G. GRCh37 (hg19) VCF-style: chr5-112111329-A-G.
Other names: c.426A>G, p.Ser142= (NM_001127510.3, NM_001354895.2, NM_001354896.2 and 16 more transcripts); c.456A>G, p.Ser152= (NM_001127511.3, NM_001354897.2, NM_001354902.2 and 1 more transcripts); c.351A>G, p.Ser117= (NM_001354898.2, NM_001354904.2, NM_001407451.1); c.249A>G, p.Ser83= (NM_001354900.2, NM_001354901.2, NM_001354905.2 and 1 more transcripts); c.-610A>G (NM_001354906.2, NM_001407470.1, NM_001407471.1 and 1 more transcripts); c.426A>G (NM_000038.5).
Identifiers: ClinVar variation 3148817 (VCV003148817.4), dbSNP rs2149614407, ClinGen allele CA445753011.